The following is an entry in ClinVar:

NM_000170.3(GLDC):c.1927-9A>G

Gene: GLDC (glycine decarboxylase; minus strand). Cytogenetic location: 9p24.1.
Variant type: single nucleotide variant.
Coding change: c.1927-9A>G on transcript NM_000170.3 (MANE Select); 9 bases into the intron before coding-DNA position 1927, A replaced by G.
Molecular consequence: intron variant.
Genome position (GRCh38, 1-based): chr9:6,558,693, T>C on the plus strand (A>G on the coding strand, the complement: GLDC is on the minus strand). VCF-style: chr9-6558693-T-C. GRCh37 (hg19) VCF-style: chr9-6558693-T-C.
Other names: p.?.
Identifiers: ClinVar variation 367184 (VCV000367184.25), dbSNP rs41281773, ClinGen allele CA4980458.

ClinVar aggregate classification (germline): Benign/Likely benign. Review status: criteria provided, multiple submitters, no conflicts (2 of 4 stars). 10 submissions from 10 submitters: Benign (1); Likely benign (5). 4 of the submissions do not count toward it. Last evaluated 2026-02-01.

Conditions:
Glycine encephalopathy. Also called: Non-ketotic hyperglycinemia; Nonketotic hyperglycinemia. Identifiers: Orphanet 407, MedGen C0751748, MONDO:0011612, HP:0008288.

Allele frequency attached by ClinVar (database versions not stated): 1000 Genomes Project 0.00100; 1000 Genomes Project 30x 0.00125; ExAC 0.00175; gnomAD exomes 0.00175 and 0.00309; gnomAD 0.00178 and 0.00180; TOPMed 0.00179; ESP Exome Variant Server 0.00308.
gnomAD v4.1: 4,709 of 1,613,996 alleles (0.29%); highest among the groups gnomAD compares: Non-Finnish European, 0.37%; 8 homozygotes.

Submissions (10):

Labcorp Genetics (formerly Invitae), Labcorp
Classification: Benign for Glycine encephalopathy. Last evaluated: 2026-02-01. Review status: criteria provided, single submitter. Criteria: Invitae Variant Classification Sherloc (09022015). Collection method: clinical testing. Allele origin: germline.

Mayo Clinic Laboratories, Mayo Clinic
Classification: Likely benign. Last evaluated: 2025-01-03. Review status: criteria provided, single submitter. Criteria: ACMG Guidelines, 2015. Collection method: clinical testing. Allele origin: germline. Observed: 5 variant alleles.
Comment: BS2, BP4, BP7

Blueprint Genetics
Classification: Likely benign. Last evaluated: 2024-11-19. Review status: criteria provided, single submitter. Criteria: ACMG Guidelines, 2015. Collection method: clinical testing. Allele origin: germline.

GeneDx
Classification: Likely benign. Last evaluated: 2020-12-07. Review status: criteria provided, single submitter. Criteria: GeneDx Variant Classification Process June 2021. Collection method: clinical testing. Allele origin: germline. Affected: yes.

Athena Diagnostics
Classification: Likely benign. Last evaluated: 2020-01-31. Review status: criteria provided, single submitter. Criteria: Athena Diagnostics Criteria. Collection method: clinical testing. Allele origin: unknown.

Illumina Laboratory Services, Illumina
Classification: Likely benign for Glycine encephalopathy 1. Last evaluated: 2018-01-13. Review status: criteria provided, single submitter. Criteria: ICSL Variant Classification Criteria 13 December 2019. Collection method: clinical testing. Allele origin: germline.
Comment: This variant was observed in the ICSL laboratory as part of a predisposition screen in an ostensibly healthy population. It had not been previously curated by ICSL or reported in the Human Gene Mutation Database (HGMD: prior to June 1st, 2018), and was therefore a candidate for classification through an automated scoring system. Utilizing variant allele frequency, disease prevalence and penetrance estimates, and inheritance mode, an automated score was calculated to assess if this variant is too frequent to cause the disease. Based on the score and internal cut-off values, a variant classified as likely benign is not then subjected to further curation. The score for this variant resulted in a classification of likely benign for this disease.

Natera, Inc.
Classification: Benign for Non-ketotic hyperglycinemia. Last evaluated: 2019-10-21. Review status: no assertion criteria provided. Collection method: clinical testing. Allele origin: germline. Not counted in ClinVar's aggregate classification.

Clinical Genetics DNA and cytogenetics Diagnostics Lab, Erasmus MC, Erasmus Medical Center
Classification: Likely benign. Review status: no assertion criteria provided. Collection method: clinical testing. Allele origin: germline. Affected: yes. Study: VKGL Data-share Consensus. Not counted in ClinVar's aggregate classification.

Diagnostic Laboratory, Department of Genetics, University Medical Center Groningen
Classification: Likely benign for Glycine encephalopathy 1. Review status: no assertion criteria provided. Collection method: clinical testing. Allele origin: germline. Affected: yes. Study: VKGL Data-share Consensus. Not counted in ClinVar's aggregate classification.

Genome Diagnostics Laboratory, University Medical Center Utrecht
Classification: Likely benign. Review status: no assertion criteria provided. Collection method: clinical testing. Allele origin: germline. Affected: yes. Study: VKGL Data-share Consensus. Not counted in ClinVar's aggregate classification.